The following is an entry in ClinVar:

ClinVar aggregate classification (germline): Likely pathogenic (1 of 4 stars; one submission).

Conditions:
Osteogenesis imperfecta type I (OI1). Also called: Lobstein's Disease; Lobstein disease; OI, TYPE I; OSTEOGENESIS IMPERFECTA TARDA; OSTEOGENESIS IMPERFECTA WITH BLUE SCLERAE; Classic Non-deforming Osteogenesis Imperfecta with Blue Sclerae. Identifiers: Orphanet 216796, Orphanet 666, MedGen C0023931, MONDO:0008146, OMIM 166200. Disease mechanism: loss of function.

Submission:

3billion
Classification: Likely pathogenic for Osteogenesis imperfecta type I. Last evaluated: 2023-08-31. Review status: criteria provided, single submitter. Criteria: ACMG Guidelines, 2015. Collection method: clinical testing. Allele origin: germline. Affected: yes.
Comment: The variant is not observed in the gnomAD v2.1.1 dataset. Predicted Consequence/Location: Frameshift: predicted to result in a loss or disruption of normal protein function through nonsense-mediated decay (NMD) or protein truncation. Multiple pathogenic variants are reported downstream of the variant. Therefore, this variant is classified as Likely pathogenic according to the recommendation of ACMG/AMP guideline.

NM_000088.4(COL1A1):c.3215del (p.Ala1072fs)

Gene: COL1A1 (collagen type I alpha 1 chain; minus strand). Cytogenetic location: 17q21.33.
Variant type: Deletion.
Coding change: c.3215del on transcript NM_000088.4 (MANE Select); coding-DNA position 3215, one base deleted (C; older notation c.3215delC).
Protein change: p.Ala1072fs; shifts the reading frame from alanine 1072.
Molecular consequence: frameshift variant.
Genome position (GRCh38, 1-based): chr17:50,188,142, G deleted on the plus strand (C on the coding strand, the reverse complement: COL1A1 is on the minus strand). VCF-style (leftmost placement, unchanged base first): chr17-50188141-AG-A. GRCh37 (hg19) VCF-style: chr17-48265502-AG-A.
Other names: short protein forms A1072fs.
Identifiers: ClinVar variation 3776115 (VCV003776115.1).